The following is an entry in ClinVar:

ClinVar aggregate classification (germline): Uncertain significance (1 of 4 stars; one submission).

Conditions:
Glycine encephalopathy. Also called: Nonketotic hyperglycinemia; Non-ketotic hyperglycinemia. Identifiers: Orphanet 407, MedGen C0751748, MONDO:0011612, HP:0008288.

Submission:

Labcorp Genetics (formerly Invitae), Labcorp
Classification: Uncertain significance for Glycine encephalopathy. Last evaluated: 2022-09-13. Review status: criteria provided, single submitter. Criteria: Invitae Variant Classification Sherloc (09022015). Collection method: clinical testing. Allele origin: germline.
Comment: This variant results in a copy number gain of the genomic region encompassing exon(s) 1-15 of the GLDC gene. This region includes the initiator codon of the gene. This copy number gain extends beyond the assayed region for this gene and therefore may encompass additional genes. As the precise location of this event is unknown, it may be in tandem or it may be located elsewhere in the genome. This variant has not been reported in the literature in individuals affected with GLDC-related conditions. Experimental studies and prediction algorithms are not available or were not evaluated, and the functional significance of this variant is currently unknown. In summary, the available evidence is currently insufficient to determine the role of this variant in disease. Therefore, it has been classified as a Variant of Uncertain Significance.

NC_000009.11:g.(?_6587121)_(6645499_?)dup

Gene: GLDC (glycine decarboxylase; minus strand). Cytogenetic location: 9p24.1.
Variant type: Duplication.
Identifiers: ClinVar variation 2422531 (VCV002422531.6).